The following is an entry in ClinVar:

ClinVar aggregate classification (germline): Uncertain significance (1 of 4 stars; one submission).

Allele frequency attached by ClinVar (database versions not stated): gnomAD exomes 0.00001.

Submission:

Women's Health and Genetics/Laboratory Corporation of America, LabCorp
Classification: Uncertain significance. Last evaluated: 2024-04-29. Review status: criteria provided, single submitter. Criteria: LabCorp Variant Classification Summary - May 2015. Collection method: clinical testing. Allele origin: germline.
Comment: Variant summary: MTOR c.4732A>G (p.Met1578Val) results in a conservative amino acid change located in the PIK-related kinase, FAT domain (IPR003151) of the encoded protein sequence. Three of five in-silico tools predict a benign effect of the variant on protein function. The variant allele was found at a frequency of 4e-06 in 251420 control chromosomes. The available data on variant occurrences in the general population are insufficient to allow any conclusion about variant significance. c.4732A>G has been reported in the literature in at least one individual affected with Autism Spectrum Disorder (e.g. Iossifov_2014). This report does not provide unequivocal conclusions about association of the variant with Smith-Kingsmore Syndrome. To our knowledge, no experimental evidence demonstrating an impact on protein function has been reported. ClinVar contains an entry for a variant with the same codon change, but different nucleotide change (1371884). Based on the evidence outlined above, the variant was classified as uncertain significance.

Literature cited by the submitters: PubMed 25363768.

NM_004958.4(MTOR):c.4732A>G (p.Met1578Val)

Genes: MTOR (mechanistic target of rapamycin kinase; minus strand), MTOR-AS1 (MTOR antisense RNA 1; plus strand). Cytogenetic location: 1p36.22.
Variant type: single nucleotide variant.
Coding change: c.4732A>G on transcript NM_004958.4 (MANE Select); coding-DNA position 4732, A replaced by G.
Protein change: p.Met1578Val; replaces methionine 1578 with valine.
Molecular consequence: missense variant.
Genome position (GRCh38, 1-based): chr1:11,145,000, T>C on the plus strand (A>G on the coding strand, the complement: MTOR is on the minus strand). VCF-style: chr1-11145000-T-C. GRCh37 (hg19) VCF-style: chr1-11205057-T-C.
Other names: c.4732A>G, p.Met1578Val (NM_001386500.1); c.3484A>G, p.Met1162Val (NM_001386501.1); short protein forms M1162V, M1578V.
Identifiers: ClinVar variation 3251558 (VCV003251558.1), dbSNP rs961978376.